The following is an entry in ClinVar:

ClinVar aggregate classification (germline): Pathogenic. Review status: criteria provided, multiple submitters, no conflicts (2 of 4 stars). 6 submissions from 6 submitters: Pathogenic (4). 2 of the submissions do not count toward it. Last evaluated 2025-12-10.

Conditions:
Fanconi anemia (FA). Also called: Fanconi's anemia. Identifiers: Orphanet 84, MedGen C0015625, MeSH D005199, MONDO:0019391.
Fanconi anemia complementation group A (FANCA). Also called: FANCA-Related Fanconi Anemia; Fanconi anemia, group A. Identifiers: Orphanet 84, MedGen C3469521, MONDO:0009215, OMIM 227650.

Submissions (6):

3billion
Classification: Pathogenic for Fanconi anemia complementation group A. Last evaluated: 2025-12-10. Review status: criteria provided, single submitter. Criteria: ACMG Guidelines, 2015. Collection method: clinical testing. Allele origin: germline. Affected: yes.
Comment: The variant is observed at an extremely low frequency in the gnomAD v4.1.0 dataset (total allele frequency: <0.001%). Predicted Consequence/Location: Canonical splice site: predicted to alter splicing and result in a loss or disruption of normal protein function. Multiple pathogenic loss-of-function variants are reported downstream of the variant. In silico tools predict the variant to alter splicing and produce an abnormal transcript [SpliceAI: 0.83 (spliceogenicity >=0.2, non-spliceogenicity <0.1)]. The variant has been reported at least twice as pathogenic with clinical assertions and evidence for the classification (ClinVar ID: VCV000663982 /PMID: 21659346). Therefore, this variant is classified as Pathogenic according to the recommendation of ACMG/AMP guideline.

Labcorp Genetics (formerly Invitae), Labcorp
Classification: Pathogenic for Fanconi anemia. Last evaluated: 2024-10-29. Review status: criteria provided, single submitter. Criteria: Invitae Variant Classification Sherloc (09022015). Collection method: clinical testing. Allele origin: germline.
Comment: This sequence change affects a splice site in intron 32 of the FANCA gene. It is expected to disrupt RNA splicing. Variants that disrupt the donor or acceptor splice site typically lead to a loss of protein function (PMID: 16199547), and loss-of-function variants in FANCA are known to be pathogenic (PMID: 19367192). This variant is present in population databases (rs766989857, gnomAD 0.01%). Disruption of this splice site has been observed in individual(s) with Fanconi anemia (PMID: 21659346; internal data). In at least one individual the data is consistent with being in trans (on the opposite chromosome) from a pathogenic variant. ClinVar contains an entry for this variant (Variation ID: 663982). Algorithms developed to predict the effect of sequence changes on RNA splicing suggest that this variant may disrupt the consensus splice site. For these reasons, this variant has been classified as Pathogenic.

Baylor Genetics
Classification: Pathogenic for Fanconi anemia complementation group A. Last evaluated: 2023-09-14. Review status: criteria provided, single submitter. Criteria: ACMG Guidelines, 2015. Collection method: clinical testing. Allele origin: unknown.

Neuberg Centre For Genomic Medicine, NCGM
Classification: Pathogenic for Fanconi anemia complementation group A. Last evaluated: 2023-02-14. Review status: criteria provided, single submitter. Criteria: ACMG Guidelines, 2015. Collection method: clinical testing. Allele origin: germline. Inheritance: Autosomal recessive inheritance. Affected: yes.
Comment: The splice site donor variant c.3239+1dup in the FANCA gene has been observed in individual(s) with Fanconi anemia (Tsangaris, E et al., 2011). This variant is reported with the allele frequency (0.001%) in the gnomAD Exomes and novel in 1000 Genomes. This splice variant in intron 32 affects the position 1 nucleotide downstream of exon 32. It is submitted to ClinVar as Pathogenic/ Uncertain Significance. Loss-of-function variants in FANCA are known to be pathogenic (Moghrabi, Nabil N et al., 2009). For these reasons, this variant has been classified as Pathogenic.

Natera, Inc.
Classification: Pathogenic for Fanconi anemia. Last evaluated: 2021-01-19. Review status: no assertion criteria provided. Collection method: clinical testing. Allele origin: germline. Not counted in ClinVar's aggregate classification.

Dept. of Cytogenetics, ICMR- National Institute of Immunohaematology
Classification: Uncertain significance for Fanconi anemia. Review status: flagged submission. Criteria: ACMG Guidelines, 2015. Collection method: clinical testing. Allele origin: germline. Affected: yes. Observed: 1 variant allele. Not counted in ClinVar's aggregate classification.
ClinVar note: Reason: Outlier claim with insufficient supporting evidence

Literature cited by the submitters: PubMed 21659346 (cited by 3billion and Labcorp Genetics (formerly Invitae), Labcorp); PubMed 16199547 (cited by Labcorp Genetics (formerly Invitae), Labcorp); PubMed 19367192 (cited by Labcorp Genetics (formerly Invitae), Labcorp).

NM_000135.4(FANCA):c.3239+1dup

Gene: FANCA (FA complementation group A; minus strand). Cytogenetic location: 16q24.3.
Variant type: Duplication.
Coding change: c.3239+1dup on transcript NM_000135.4 (MANE Select); the canonical splice donor site of the intron after coding-DNA position 3239, one base duplicated (G; older notation c.3239+1dupG).
Molecular consequence: splice donor variant.
Genome position (GRCh38, 1-based): chr16:89,749,729, C duplicated on the plus strand (G on the coding strand, the reverse complement: FANCA is on the minus strand); the first of 2 consecutive C bases (chr16:89,749,729-89,749,730); duplicating either gives the same sequence. VCF-style (leftmost placement, unchanged base first): chr16-89749728-A-AC. GRCh37 (hg19) VCF-style: chr16-89816136-A-AC.
Other names: c.3239+1dup (NM_001286167.3).
Identifiers: ClinVar variation 663982 (VCV000663982.19), dbSNP rs766989857, ClinGen allele CA8251285.
Genomic context (GRCh38, chr16:89,749,728, plus strand): 5'-CCGTCATGAGATGCTGCCCTGCCCAGGTGGTGCTGCCCTGCCCAGGTGGTAGTAGGTGTT[A>AC]CCGTTTGTACATTAGCAGCTCCCTCTGTCTCTGAAGGCTGGCAGCCACGCTCCACCCGCT-3'